The following is an entry in ClinVar:

NM_024529.5(CDC73):c.729+202A>C

Gene: CDC73 (cell division cycle 73; plus strand). Cytogenetic location: 1q31.2.
Variant type: single nucleotide variant.
Coding change: c.729+202A>C on transcript NM_024529.5 (MANE Select); 202 bases into the intron after coding-DNA position 729, A replaced by C.
Molecular consequence: intron variant.
Genome position (GRCh38, 1-based): chr1:193,142,268, A>C. VCF-style: chr1-193142268-A-C. GRCh37 (hg19) VCF-style: chr1-193111398-A-C.
Identifiers: ClinVar variation 677561 (VCV000677561.1), dbSNP rs148211159, ClinGen allele CA34373384.

ClinVar aggregate classification (germline): Likely benign (1 of 4 stars; one submission).

Allele frequency attached by ClinVar (database versions not stated): TOPMed 0.01149; 1000 Genomes Project 0.01258; 1000 Genomes Project 30x 0.01312.
gnomAD v4.1: 1,842 of 152,286 alleles (1.2%); highest among the groups gnomAD compares: South Asian, 3.4%; 17 homozygotes.

Submission:

GeneDx
Classification: Likely benign. Last evaluated: 2018-06-17. Review status: criteria provided, single submitter. Criteria: GeneDx Variant Classification (06012015). Collection method: clinical testing. Allele origin: germline. Affected: yes.
Comment: This variant is considered likely benign or benign based on one or more of the following criteria: it is a conservative change, it occurs at a poorly conserved position in the protein, it is predicted to be benign by multiple in silico algorithms, and/or has population frequency not consistent with disease.